The following is an entry in ClinVar:

NM_000238.4(KCNH2):c.1969G>C (p.Gly657Arg)

Gene: KCNH2 (potassium voltage-gated channel subfamily H member 2; minus strand). Cytogenetic location: 7q36.1.
Variant type: single nucleotide variant.
Coding change: c.1969G>C on transcript NM_000238.4 (MANE Select); coding-DNA position 1969, G replaced by C.
Protein change: p.Gly657Arg; replaces glycine 657 with arginine.
Molecular consequence: missense variant.
Genome position (GRCh38, 1-based): chr7:150,951,097, C>G on the plus strand (G>C on the coding strand, the complement: KCNH2 is on the minus strand). VCF-style: chr7-150951097-C-G. GRCh37 (hg19) VCF-style: chr7-150648185-C-G.
Other names: c.1969G>C (LRG_288t1); c.949G>C, p.Gly317Arg (NM_001204798.2, NM_172057.3); c.1681G>C, p.Gly561Arg (NM_001406753.1, NM_001406756.1); c.1792G>C, p.Gly598Arg (NM_001406755.1); c.1669G>C, p.Gly557Arg (NM_001406757.1); c.1969G>C, p.Gly657Arg (NM_172056.3); short protein forms G317R, G657R, G561R, G557R, G598R.
Identifiers: ClinVar variation 67349 (VCV000067349.3), dbSNP rs199472978, ClinGen allele CA006120.

ClinVar aggregate classification (germline): not provided (0 of 4 stars; one submission).

Conditions:
Familial long QT syndrome (RWS). Also called: Congenital long QT syndrome; Romano-Ward syndrome; VENTRICULAR FIBRILLATION WITH PROLONGED QT INTERVAL. Identifiers: Orphanet 768, MedGen C1141890, MONDO:0019171.

Submission:

Cardiovascular Biomedical Research Unit, Royal Brompton & Harefield NHS Foundation Trust
No classification provided. Condition: Familial long QT syndrome. Review status: no classification provided. Collection method: literature only. Allele origin: germline.
Comment: This variant has been reported as associated with Long QT syndrome in the following publications (PMID:19716085). This is a literature report, and does not necessarily reflect the clinical interpretation of the Imperial College / Royal Brompton Cardiovascular Genetics laboratory.

Literature cited by the submitters: PubMed 19716085; PubMed 22581653.